The following is an entry in ClinVar:

ClinVar aggregate classification (germline): Likely pathogenic (1 of 4 stars; one submission).

Conditions:
Ehlers-Danlos syndrome, kyphoscoliotic type 1 (EDSKSCL1). Also called: EHLERS-DANLOS SYNDROME, OCULAR-SCOLIOTIC TYPE; PLOD1-Related Kyphoscoliotic Ehlers-Danlos Syndrome; EHLERS-DANLOS SYNDROME, TYPE VIA; Ehlers-Danlos syndrome, hydroxylysine-deficient. Identifiers: Orphanet 1900, MedGen C0268342, MONDO:0016002, OMIM 225400. Disease mechanism: loss of function.

Submission:

Wu Lab, Laboratory of Medical Genetics, School of Life Sciences, Central South University
Classification: Likely pathogenic for Ehlers-Danlos syndrome, kyphoscoliotic type 1. Last evaluated: 2026-02-12. Review status: criteria provided, single submitter. Criteria: ACMG Guidelines, 2015. Collection method: clinical testing. Allele origin: germline. Inheritance: Autosomal recessive inheritance. Affected: yes. Observed: 1 variant allele, 1 homozygote.
Comment: A novel homozygous large deletion encompassing exons 15 and 16 of the PLOD1 gene was identified via Whole Exome Sequencing (WES) copy number variation (CNV) analysis. Based on the ACMG/AMP guidelines, the PLOD1 exon 15–16 deletion variant was classified as likely pathogenic as it fulfilled the following criteria: PVS1_Strong: A large deletion of multiple exons (exons 15 and 16) was identified, and subsequent quantitative PCR (qPCR) validation confirmed a significant decrease. This multi-exon deletion is expected to cause a loss of function, disrupting normal protein function. PM2_Supporting: The variant is absent from large population databases.

GRCh37/hg19 1p36.22(chr1:12026307-12027148)x1

Gene: PLOD1 (procollagen-lysine,2-oxoglutarate 5-dioxygenase 1; plus strand). Cytogenetic location: 1p36.22.
Variant type: copy number loss.
Change: copy number 1 (one copy instead of two) of chr1:12,026,307-12,027,148 (0.8 kb, GRCh37 coordinates, 1-based), cytogenetic band 1p36.22.
Identifiers: ClinVar variation 4813080 (VCV004813080.1).